The following is an entry in ClinVar:

ClinVar aggregate classification (germline): Conflicting classifications of pathogenicity. Review status: criteria provided, conflicting classifications (1 of 4 stars). 2 submissions from 2 submitters: Uncertain significance (1); Likely benign (1). Last evaluated 2026-07-01.

Conditions:
Fabry disease. Also called: Fabry's disease; ALPHA-GALACTOSIDASE A DEFICIENCY; ANDERSON-FABRY DISEASE; CERAMIDE TRIHEXOSIDASE DEFICIENCY; GLA DEFICIENCY; HEREDITARY DYSTOPIC LIPIDOSIS. Identifiers: Orphanet 324, MedGen C0002986, MONDO:0010526, OMIM 301500, HP:0001071. Disease mechanism: Fabry disease is due to inactivating mutations in the X-linked GLA gene resulting in deficiency of the enzyme Alpha Galactosidase-A., loss of function.

Allele frequency attached by ClinVar (database versions not stated): gnomAD 0.00008; 1000 Genomes Project 0.00053; TOPMed 0.00011; 1000 Genomes Project 30x 0.00042.
gnomAD v4.1: 8 of 108,646 alleles (0.0074%); highest among the groups gnomAD compares: East Asian, 0.23%; no homozygotes.

Submissions (2):

CeGaT Center for Human Genetics Tuebingen
Classification: Likely benign. Last evaluated: 2026-07-01. Review status: criteria provided, single submitter. Criteria: CeGaT Center For Human Genetics Tuebingen Variant Classification Criteria Version 2. Collection method: clinical testing. Allele origin: germline. Affected: yes. Observed: 2 variant alleles.
Comment: GLA: BS2; HNRNPH2: BS2

Labcorp Genetics (formerly Invitae), Labcorp
Classification: Uncertain significance for Fabry disease. Last evaluated: 2020-07-16. Review status: criteria provided, single submitter. Criteria: Invitae Variant Classification Sherloc (09022015). Collection method: clinical testing. Allele origin: germline.
Comment: This variant occurs in a non-coding region of the GLA gene. It does not change the encoded amino acid sequence of the GLA protein. The frequency data for this variant in the population databases is considered unreliable, as metrics indicate insufficient coverage at this position in the ExAC database. This variant has been observed in individual(s) with Parkinson‚Äôs disease (PMID: 21683120). Experimental studies and prediction algorithms are not available for this variant, and the functional significance of this non-coding change is currently unknown. In summary, the available evidence is currently insufficient to determine the role of this variant in disease. Therefore, it has been classified as a Variant of Uncertain Significance.

Literature cited by the submitters: PubMed 21683120 (cited by Labcorp Genetics (formerly Invitae), Labcorp).

NM_019597.5(HNRNPH2):c.-54+157G>C

Genes: GLA (galactosidase alpha; minus strand), HNRNPH2 (heterogeneous nuclear ribonucleoprotein H2; plus strand), RPL36A-HNRNPH2 (RPL36A-HNRNPH2 readthrough; plus strand). Cytogenetic location: Xq22.1.
Variant type: single nucleotide variant.
Coding change: c.-54+157G>C on transcript NM_019597.5 (MANE Select); 157 bases into the intron after 54 bases upstream of the start codon, G replaced by C.
Molecular consequence: intron variant.
Genome position (GRCh38, 1-based): chrX:101,408,476, G>C. VCF-style: chrX-101408476-G-C. GRCh37 (hg19) VCF-style: chrX-100663464-G-C.
Other names: c.301-3460G>C (NM_001199973.2); c.178-3460G>C (NM_001199974.2); c.-54+169G>C (NM_001032393.3).
Identifiers: ClinVar variation 2177421 (VCV002177421.7), dbSNP rs782312723, ClinGen allele CA352401.